The following is an entry in ClinVar:

ClinVar aggregate classification (germline): Uncertain significance (1 of 4 stars; one submission).

Allele frequency attached by ClinVar (database versions not stated): gnomAD exomes below 0.00001.
gnomAD v4.1: 1 of 1,614,056 alleles (0.000062%); highest among the groups gnomAD compares: Non-Finnish European, 0.000085%; no homozygotes.

Submission:

Labcorp Genetics (formerly Invitae), Labcorp
Classification: Uncertain significance. Last evaluated: 2019-06-24. Review status: criteria provided, single submitter. Criteria: Invitae Variant Classification Sherloc (09022015). Collection method: clinical testing. Allele origin: germline.
Comment: Algorithms developed to predict the effect of missense changes on protein structure and function are either unavailable or do not agree on the potential impact of this missense change (SIFT: "Deleterious"; PolyPhen-2: "Benign"; Align-GVGD: "Class C0"). This variant has not been reported in the literature in individuals with CTNNA1-related conditions. This variant is not present in population databases (ExAC no frequency). This sequence change replaces alanine with glycine at codon 473 of the CTNNA1 protein (p.Ala473Gly). The alanine residue is highly conserved and there is a small physicochemical difference between alanine and glycine. In summary, the available evidence is currently insufficient to determine the role of this variant in disease. Therefore, it has been classified as a Variant of Uncertain Significance.

NM_001903.5(CTNNA1):c.1418C>G (p.Ala473Gly)

Gene: CTNNA1 (catenin alpha 1; plus strand). Cytogenetic location: 5q31.2.
Variant type: single nucleotide variant.
Coding change: c.1418C>G on transcript NM_001903.5 (MANE Select); coding-DNA position 1418, C replaced by G.
Protein change: p.Ala473Gly; replaces alanine 473 with glycine.
Molecular consequence: missense variant. On other transcripts: 5 prime UTR variant (5).
Genome position (GRCh38, 1-based): chr5:138,917,770, C>G. VCF-style: chr5-138917770-C-G. GRCh37 (hg19) VCF-style: chr5-138253459-C-G.
Other names: c.1418C>G, p.Ala473Gly (NM_001290307.3, NM_001323982.2, NM_001323983.1 and 2 more transcripts); c.1109C>G, p.Ala370Gly (NM_001290309.3); c.1049C>G, p.Ala350Gly (NM_001290310.3); c.308C>G, p.Ala103Gly (NM_001290312.1, NM_001323987.1, NM_001323988.1 and 17 more transcripts); c.1325C>G, p.Ala442Gly (NM_001323986.2); c.-32C>G (NM_001324006.1, NM_001324007.1, NM_001324008.1 and 2 more transcripts); c.215C>G, p.Ala72Gly (NM_001324011.1); c.65C>G, p.Ala22Gly (NM_001324012.1, NM_001324013.1); short protein forms A350G, A22G, A442G, A103G, A473G, A72G, A370G.
Identifiers: ClinVar variation 951657 (VCV000951657.9), dbSNP rs1762099256, ClinGen allele CA361137127.